The following is an entry in ClinVar:

NM_014629.4(ARHGEF10):c.1408G>T (p.Val470Leu)

Gene: ARHGEF10 (Rho guanine nucleotide exchange factor 10; plus strand). Cytogenetic location: 8p23.3.
Variant type: single nucleotide variant.
Coding change: c.1408G>T on transcript NM_014629.4 (MANE Select); coding-DNA position 1408, G replaced by T.
Protein change: p.Val470Leu; replaces valine 470 with leucine.
Molecular consequence: missense variant.
Genome position (GRCh38, 1-based): chr8:1,894,540, G>T. VCF-style: chr8-1894540-G-T. GRCh37 (hg19) VCF-style: chr8-1842706-G-T.
Other names: c.1294G>T, p.Val432Leu (NM_001308152.2); c.1411G>T, p.Val471Leu (NM_001308153.3); short protein forms V470L, V432L, V495L, V471L.
Identifiers: ClinVar variation 2906538 (VCV002906538.3), dbSNP rs201694611, ClinGen allele CA4600352.

ClinVar aggregate classification (germline): Uncertain significance (1 of 4 stars; one submission).

gnomAD v4.1: 5 of 1,614,164 alleles (0.00031%); highest among the groups gnomAD compares: Non-Finnish European, 0.00042%; no homozygotes.

Submission:

Labcorp Genetics (formerly Invitae), Labcorp
Classification: Uncertain significance. Last evaluated: 2024-03-04. Review status: criteria provided, single submitter. Criteria: Invitae Variant Classification Sherloc (09022015). Collection method: clinical testing. Allele origin: germline.
Comment: This sequence change replaces valine, which is neutral and non-polar, with leucine, which is neutral and non-polar, at codon 470 of the ARHGEF10 protein (p.Val470Leu). This variant is present in population databases (rs201694611, gnomAD 0.0009%). This variant has not been reported in the literature in individuals affected with ARHGEF10-related conditions. Advanced modeling of protein sequence and biophysical properties (such as structural, functional, and spatial information, amino acid conservation, physicochemical variation, residue mobility, and thermodynamic stability) performed at Invitae indicates that this missense variant is not expected to disrupt ARHGEF10 protein function with a negative predictive value of 80%. In summary, the available evidence is currently insufficient to determine the role of this variant in disease. Therefore, it has been classified as a Variant of Uncertain Significance.